The following is an entry in ClinVar:

NM_005732.4(RAD50):c.3109G>C (p.Glu1037Gln)

Gene: RAD50 (RAD50 double strand break repair protein; plus strand). Cytogenetic location: 5q31.1.
Variant type: single nucleotide variant.
Coding change: c.3109G>C on transcript NM_005732.4 (MANE Select); coding-DNA position 3109, G replaced by C.
Protein change: p.Glu1037Gln; replaces glutamic acid 1037 with glutamine.
Molecular consequence: missense variant.
Genome position (GRCh38, 1-based): chr5:132,616,075, G>C. VCF-style: chr5-132616075-G-C. GRCh37 (hg19) VCF-style: chr5-131951767-G-C.
Other names: short protein forms E1037Q.
Identifiers: ClinVar variation 3312333 (VCV003312333.1).
Genomic context (GRCh38, chr5:132,616,075, plus strand): 5'-TGGCTACAAGATAACCTTACTTTAAGAAAAAGAAATGAGGAACTAAAAGAAGTTGAAGAA[G>C]AAAGAAAACAACATTTGAAGGAAATGGGTCAAATGCAGGTTTTGCAAATGAAAAGGTATG-3'
Protein context (NP_005723.2, residues 1027-1047): RNEELKEVEE[Glu1037Gln]RKQHLKEMGQ

ClinVar aggregate classification (germline): Uncertain significance (1 of 4 stars; one submission).

Conditions:
Hereditary cancer-predisposing syndrome. Also called: Neoplastic Syndromes, Hereditary; Tumor predisposition; Hereditary neoplastic syndrome; Hereditary Cancer Syndrome. Identifiers: Orphanet 140162, MedGen C0027672, MeSH D009386, MONDO:0015356.

Submission:

Ambry Genetics
Classification: Uncertain significance for Hereditary cancer-predisposing syndrome. Last evaluated: 2024-05-24. Review status: criteria provided, single submitter. Criteria: Ambry Variant Classification Scheme 2023. Collection method: clinical testing. Allele origin: germline.
Comment: The p.E1037Q variant (also known as c.3109G>C), located in coding exon 20 of the RAD50 gene, results from a G to C substitution at nucleotide position 3109. The glutamic acid at codon 1037 is replaced by glutamine, an amino acid with highly similar properties. This amino acid position is conserved. In addition, this alteration is predicted to be tolerated by in silico analysis. Based on the available evidence, the clinical significance of this variant remains unclear.